The following is an entry in ClinVar:

NC_012920.1(MT-TM):m.4455A>G

Gene: MT-TM (mitochondrially encoded tRNA methionine; plus strand).
Variant type: single nucleotide variant.
Genome position: chrM-4455-A-G.
Identifiers: ClinVar variation 689918 (VCV000689918.1), dbSNP rs878986264, ClinGen allele CA337096881.

ClinVar aggregate classification (germline): Uncertain significance (1 of 4 stars; one submission).

Conditions:
MELAS syndrome (MELAS). Also called: Juvenile myopathy, encephalopathy, lactic acidosis, stroke. Identifiers: Orphanet 550, MedGen C0162671, MONDO:0010789, OMIM 540000.

Submission:

Wong Mito Lab, Molecular and Human Genetics, Baylor College of Medicine
Classification: Uncertain significance for MELAS syndrome. Last evaluated: 2019-07-12. Review status: criteria provided, single submitter. Criteria: Modified ACMG Guidelines (Unpublished). Collection method: clinical testing. Allele origin: germline.
Comment: The NC_012920.1:m.4455A>G variant in MT-TM gene is interpreted to be a Unknown Significance variant based on the modified ACMG guidelines (unpublished). This variant meets the following evidence codes reported in the guidelines: BP4, PP7

Literature cited by the submitters: PubMed 31965079.